The following is an entry in ClinVar:

NM_032776.3(JMJD1C):c.3760A>G (p.Ile1254Val)

Gene: JMJD1C (jumonji domain containing 1C; minus strand). Cytogenetic location: 10q21.3.
Variant type: single nucleotide variant.
Coding change: c.3760A>G on transcript NM_032776.3 (MANE Select); coding-DNA position 3760, A replaced by G.
Protein change: p.Ile1254Val; replaces isoleucine 1254 with valine.
Molecular consequence: missense variant. On other transcripts: non-coding transcript variant (1).
Genome position (GRCh38, 1-based): chr10:63,207,909, T>C on the plus strand (A>G on the coding strand, the complement: JMJD1C is on the minus strand). VCF-style: chr10-63207909-T-C. GRCh37 (hg19) VCF-style: chr10-64967669-T-C.
Other names: c.3214A>G, p.Ile1072Val (NM_001282948.2, NM_001318154.2); c.2896A>G, p.Ile966Val (NM_001318153.2); c.3646A>G, p.Ile1216Val (NM_001322252.2); c.3103A>G, p.Ile1035Val (NM_001322254.2, NM_001322258.2); short protein forms I966V, I1216V, I1072V, I1035V, I1254V.
Identifiers: ClinVar variation 1500862 (VCV001500862.8), dbSNP rs1846844856, ClinGen allele CA377040319.
Genomic context (GRCh38, chr10:63,207,909, plus strand): 5'-CCGTCAAACTCTGTTCTGAAGAACTCTTAAAATTTGCCTGGGAGTCTTTTGGTTCGGGTA[T>C]TAGAGTTGGAGGCTTCTGTGATTCTTGAACTTTACCACCAGCATTTACTGGCATCACCGG-3'
Protein context (NP_116165.1, residues 1244-1264): VQESQKPPTL[Ile1254Val]PEPKDSQANF

ClinVar aggregate classification (germline): Uncertain significance (1 of 4 stars; one submission).

Conditions:
Early Myoclonic Encephalopathy. Identifiers: MedGen C0270855.

Allele frequency attached by ClinVar (database versions not stated): TOPMed 0.00001.

Submission:

Labcorp Genetics (formerly Invitae), Labcorp
Classification: Uncertain significance for Early Myoclonic Encephalopathy. Last evaluated: 2024-11-11. Review status: criteria provided, single submitter. Criteria: Invitae Variant Classification Sherloc (09022015). Collection method: clinical testing. Allele origin: germline.
Comment: This sequence change replaces isoleucine, which is neutral and non-polar, with valine, which is neutral and non-polar, at codon 1254 of the JMJD1C protein (p.Ile1254Val). This variant is not present in population databases (gnomAD no frequency). This variant has not been reported in the literature in individuals affected with JMJD1C-related conditions. ClinVar contains an entry for this variant (Variation ID: 1500862). Invitae Evidence Modeling of protein sequence and biophysical properties (such as structural, functional, and spatial information, amino acid conservation, physicochemical variation, residue mobility, and thermodynamic stability) indicates that this missense variant is not expected to disrupt JMJD1C protein function with a negative predictive value of 80%. In summary, the available evidence is currently insufficient to determine the role of this variant in disease. Therefore, it has been classified as a Variant of Uncertain Significance.